The following is an entry in ClinVar:

ClinVar aggregate classification (germline): Uncertain significance (1 of 4 stars; one submission).

Conditions:
MRAP2-related disorder. Also called: MRAP2-related condition.

gnomAD v4.1: 5 of 1,614,174 alleles (0.00031%); highest among the groups gnomAD compares: East Asian, 0.0045%; no homozygotes.

Submission:

PreventionGenetics, part of Exact Sciences
Classification: Uncertain significance for MRAP2-related condition. Last evaluated: 2025-11-14. Review status: criteria provided, single submitter. Criteria: ACMG Guidelines, 2015. Collection method: clinical testing. Allele origin: germline.
Comment: The MRAP2 c.489G>T variant is predicted to result in the amino acid substitution p.Lys163Asn. To our knowledge, this variant has not been reported in the literature or in a large population database (gnomAD), indicating this variant is rare. At this time, the clinical significance of this variant is uncertain due to the absence of conclusive functional and genetic evidence.

NM_138409.4(MRAP2):c.489G>T (p.Lys163Asn)

Gene: MRAP2 (melanocortin 2 receptor accessory protein 2; plus strand). Cytogenetic location: 6q14.2.
Variant type: single nucleotide variant.
Coding change: c.489G>T on transcript NM_138409.4 (MANE Select); coding-DNA position 489, G replaced by T.
Protein change: p.Lys163Asn; replaces lysine 163 with asparagine.
Molecular consequence: missense variant.
Genome position (GRCh38, 1-based): chr6:84,089,352, G>T. VCF-style: chr6-84089352-G-T. GRCh37 (hg19) VCF-style: chr6-84799071-G-T.
Other names: c.231G>T, p.Lys77Asn (NM_001346541.2); c.489G>T, p.Lys163Asn (NM_001346542.2, NM_001346544.2); c.324G>T, p.Lys108Asn (NM_001346543.2); short protein forms K108N, K163N, K77N.
Identifiers: ClinVar variation 4978519 (VCV004978519.1).